The following is an entry in ClinVar:

NM_004525.3(LRP2):c.1128G>T (p.Gly376=)

Gene: LRP2 (LDL receptor related protein 2; minus strand). Cytogenetic location: 2q31.1.
Variant type: single nucleotide variant.
Coding change: c.1128G>T on transcript NM_004525.3 (MANE Select); coding-DNA position 1128, G replaced by T.
Protein change: p.Gly376=; no amino-acid change (glycine 376 retained).
Molecular consequence: synonymous variant.
Genome position (GRCh38, 1-based): chr2:169,282,916, C>A on the plus strand (G>T on the coding strand, the complement: LRP2 is on the minus strand). VCF-style: chr2-169282916-C-A. GRCh37 (hg19) VCF-style: chr2-170139426-C-A.
Identifiers: ClinVar variation 1420921 (VCV001420921.11), dbSNP rs748204076, ClinGen allele CA1955646.

ClinVar aggregate classification (germline): Likely benign. Review status: criteria provided, multiple submitters, no conflicts (2 of 4 stars). 3 submissions from 3 submitters: Likely benign (3). Last evaluated 2026-01-01.

Allele frequency attached by ClinVar (database versions not stated): TOPMed 0.00002.

Submissions (3):

CeGaT Center for Human Genetics Tuebingen
Classification: Likely benign. Last evaluated: 2026-01-01. Review status: criteria provided, single submitter. Criteria: CeGaT Center For Human Genetics Tuebingen Variant Classification Criteria Version 2. Collection method: clinical testing. Allele origin: germline. Affected: yes. Observed: 1 variant allele.
Comment: LRP2: BP4, BP7

Labcorp Genetics (formerly Invitae), Labcorp
Classification: Likely benign. Last evaluated: 2025-12-06. Review status: criteria provided, single submitter. Criteria: Invitae Variant Classification Sherloc (09022015). Collection method: clinical testing. Allele origin: germline.

Blueprint Genetics
Classification: Likely benign. Last evaluated: 2024-08-21. Review status: criteria provided, single submitter. Criteria: ACMG Guidelines, 2015. Collection method: clinical testing. Allele origin: germline.